The following is an entry in ClinVar:

NM_001144967.3(NEDD4L):c.2542C>T (p.Leu848=)

Gene: NEDD4L (NEDD4 like E3 ubiquitin protein ligase; plus strand). Cytogenetic location: 18q21.31.
Variant type: single nucleotide variant.
Coding change: c.2542C>T on transcript NM_001144967.3 (MANE Select); coding-DNA position 2542, C replaced by T.
Protein change: p.Leu848=; no amino-acid change (leucine 848 retained).
Molecular consequence: synonymous variant.
Genome position (GRCh38, 1-based): chr18:58,387,493, C>T. VCF-style: chr18-58387493-C-T. GRCh37 (hg19) VCF-style: chr18-56054725-C-T.
Other names: c.2179C>T, p.Leu727= (NM_001144964.1, NM_001144965.2, NM_001144966.3); c.2518C>T, p.Leu840= (NM_001144968.2); c.2458C>T, p.Leu820= (NM_001144969.2); c.2119C>T, p.Leu707= (NM_001144970.3, NM_001144971.2); c.2350C>T, p.Leu784= (NM_001243960.2); c.2482C>T, p.Leu828= (NM_015277.6).
Identifiers: ClinVar variation 696712 (VCV000696712.35), dbSNP rs370069597, ClinGen allele CA8975987.
Genomic context (GRCh38, chr18:58,387,493, plus strand): 5'-TTTCAGGGATTCACAGAACTACTTCCTATTGATTTGATTAAAATTTTTGATGAAAATGAG[C>T]TGGAGGTTTGTATTATAAACATTATTTTATGTAAAGTGGATTTTTTAAAGTATCTCTCAT-3'
Protein context (NP_001138439.1, residues 838-858): DLIKIFDENE[Leu848=]ELLMCGLGDV

ClinVar aggregate classification (germline): Benign/Likely benign. Review status: criteria provided, multiple submitters, no conflicts (2 of 4 stars). 3 submissions from 3 submitters: Benign (2); Likely benign (1). Last evaluated 2026-02-01.

Conditions:
Periventricular nodular heterotopia 7 (PVNH7). Identifiers: MedGen C4310669, MONDO:0014966, OMIM 617201.

Allele frequency attached by ClinVar (database versions not stated): TOPMed 0.00031; ESP Exome Variant Server 0.00078; gnomAD 0.00095 and 0.00099; ExAC 0.00113.
gnomAD v4.1: 1,068 of 1,567,512 alleles (0.068%); highest among the groups gnomAD compares: Non-Finnish European, 0.052%; 2 homozygotes.

Submissions (3):

CeGaT Center for Human Genetics Tuebingen
Classification: Likely benign. Last evaluated: 2026-02-01. Review status: criteria provided, single submitter. Criteria: CeGaT Center For Human Genetics Tuebingen Variant Classification Criteria Version 2. Collection method: clinical testing. Allele origin: germline. Affected: yes. Observed: 3 variant alleles.
Comment: NEDD4L: BP4, BP7

Labcorp Genetics (formerly Invitae), Labcorp
Classification: Benign. Last evaluated: 2026-01-07. Review status: criteria provided, single submitter. Criteria: Invitae Variant Classification Sherloc (09022015). Collection method: clinical testing. Allele origin: germline.

Fulgent Genetics
Classification: Benign for Periventricular nodular heterotopia 7. Last evaluated: 2021-07-15. Review status: criteria provided, single submitter. Criteria: ACMG Guidelines, 2015. Collection method: clinical testing. Allele origin: unknown.